The following is an entry in ClinVar:

NM_001170629.2(CHD8):c.5060_5061del (p.Asp1686_Phe1687insTer)

Gene: CHD8 (chromodomain helicase DNA binding protein 8; minus strand). Cytogenetic location: 14q11.2.
Variant type: Deletion.
Coding change: c.5060_5061del on transcript NM_001170629.2 (MANE Select); coding-DNA positions 5060 to 5061, 2 bases deleted (TT; older notation c.5060_5061delTT).
Protein change: p.Asp1686_Phe1687insTer.
Molecular consequence: nonsense.
Genome position (GRCh38, 1-based): chr14:21,395,883-21,395,884, AA deleted on the plus strand (TT on the coding strand, the reverse complement: CHD8 is on the minus strand); deleting any 2 consecutive bases within chr14:21,395,883-21,395,885 gives the same sequence; the c. name uses the placement nearest the transcript's 3' end. VCF-style (leftmost placement, unchanged base first): chr14-21395882-CAA-C. GRCh37 (hg19) VCF-style: chr14-21864041-CAA-C.
Other names: c.4223_4224del, p.Asp1407_Phe1408insTer (NM_020920.4).
Identifiers: ClinVar variation 4293571 (VCV004293571.1).

ClinVar aggregate classification (germline): Likely pathogenic (1 of 4 stars; one submission).

Conditions:
Intellectual developmental disorder with autism and macrocephaly. Also called: Autism, susceptibility to, 18; CHD8-Related Neurodevelopmental Disorder with Overgrowth. Identifiers: Orphanet 642675, MedGen C3554373, MONDO:0014017, OMIM 615032.

Submission:

3billion
Classification: Likely pathogenic for Intellectual developmental disorder with autism and macrocephaly. Last evaluated: 2025-01-08. Review status: criteria provided, single submitter. Criteria: ACMG Guidelines, 2015. Collection method: clinical testing. Allele origin: germline. Affected: yes.
Comment: The variant is not observed in the gnomAD v4.1.0 dataset. Predicted Consequence/Location: Stop-gained (nonsense): predicted to result in a loss or disruption of normal protein function through nonsense-mediated decay (NMD) or protein truncation. Multiple pathogenic variants are reported downstream of the variant. Therefore, this variant is classified as Likely pathogenic according to the recommendation of ACMG/AMP guideline.